The following is an entry in ClinVar:

NM_000796.6(DRD3):c.112G>A (p.Ala38Thr)

Gene: DRD3 (dopamine receptor D3; minus strand). Cytogenetic location: 3q13.31.
Variant type: single nucleotide variant.
Coding change: c.112G>A on transcript NM_000796.6 (MANE Select); coding-DNA position 112, G replaced by A.
Protein change: p.Ala38Thr; replaces alanine 38 with threonine.
Molecular consequence: missense variant.
Genome position (GRCh38, 1-based): chr3:114,171,881, C>T on the plus strand (G>A on the coding strand, the complement: DRD3 is on the minus strand). VCF-style: chr3-114171881-C-T. GRCh37 (hg19) VCF-style: chr3-113890728-C-T.
Other names: c.112G>A, p.Ala38Thr (NM_001282563.2, NM_001290809.1, NM_033663.6); short protein forms A38T.
Identifiers: ClinVar variation 899697 (VCV000899697.5), dbSNP rs138354054, ClinGen allele CA2550695.
Genomic context (GRCh38, chr3:114,171,881, plus strand): 5'-GCTCCTTCAGCACAGCCATGCACACCAGGCCATTGCCGAAGACGATGGCCAGGATGAGCG[C>T]GCAGTAGGAGAGGGCATAGTAGGCATGTGGGCGGGCCTGGCTGGCACCTGTGGAGTTCTC-3'
Protein context (NP_000787.2, residues 28-48): PHAYYALSYC[Ala38Thr]LILAIVFGNG

ClinVar aggregate classification (germline): Likely benign. Review status: criteria provided, multiple submitters, no conflicts (2 of 4 stars). 2 submissions from 2 submitters: Likely benign (2). Last evaluated 2018-01-13.

Conditions:
Tremor, hereditary essential, 1 (ETM1). Also called: Familial essential tremor. Identifiers: MedGen C1860861, MONDO:0008590, OMIM 190300.

Allele frequency attached by ClinVar (database versions not stated): ESP Exome Variant Server 0.00008; gnomAD 0.00031 and 0.00052; TOPMed 0.00048; gnomAD exomes 0.00057 and 0.00087; ExAC 0.00088; 1000 Genomes Project 30x 0.00359; 1000 Genomes Project 0.00399.

Submissions (2):

Illumina Laboratory Services, Illumina
Classification: Likely benign for Tremor, hereditary essential, 1. Last evaluated: 2018-01-13. Review status: criteria provided, single submitter. Criteria: ICSL Variant Classification Criteria 13 December 2019. Collection method: clinical testing. Allele origin: germline.
Comment: This variant was observed in the ICSL laboratory as part of a predisposition screen in an ostensibly healthy population. It had not been previously curated by ICSL or reported in the Human Gene Mutation Database (HGMD: prior to June 1st, 2018), and was therefore a candidate for classification through an automated scoring system. Utilizing variant allele frequency, disease prevalence and penetrance estimates, and inheritance mode, an automated score was calculated to assess if this variant is too frequent to cause the disease. Based on the score and internal cut-off values, a variant classified as likely benign is not then subjected to further curation. The score for this variant resulted in a classification of likely benign for this disease.

Breakthrough Genomics
Classification: Likely benign. Review status: criteria provided, single submitter. Criteria: ACMG Guidelines, 2015. Collection method: not provided. Allele origin: germline. Inheritance: Autosomal dominant inheritance. Affected: yes.